The following is an entry in ClinVar:

NM_000052.7(ATP7A):c.2048A>G (p.His683Arg)

Gene: ATP7A (ATPase copper transporting alpha; plus strand). Cytogenetic location: Xq21.1.
Variant type: single nucleotide variant.
Coding change: c.2048A>G on transcript NM_000052.7 (MANE Select); coding-DNA position 2048, A replaced by G.
Protein change: p.His683Arg; replaces histidine 683 with arginine.
Molecular consequence: missense variant.
Genome position (GRCh38, 1-based): chrX:78,011,550, A>G. VCF-style: chrX-78011550-A-G. GRCh37 (hg19) VCF-style: chrX-77267047-A-G.
Other names: c.2048A>G, p.His683Arg (NM_001282224.2); short protein forms H683R.
Identifiers: ClinVar variation 1805292 (VCV001805292.7), dbSNP rs2522350113, ClinGen allele CA413598294.
Genomic context (GRCh38, chrX:78,011,550, plus strand): 5'-CTGTAATGGGGCTGATGATATATATGATGGTTATGGACCACCACTTTGCAACTCTTCACC[A>G]TAATCAAAACATGAGTAAAGAAGAAATGATCAACCTTCATTCTTCTATGTTCCTGGAGCG-3'
Protein context (NP_000043.4, residues 673-693): VMDHHFATLH[His683Arg]NQNMSKEEMI

ClinVar aggregate classification (germline): Uncertain significance. Review status: criteria provided, multiple submitters, no conflicts (2 of 4 stars). 3 submissions from 3 submitters: Uncertain significance (3). Last evaluated 2024-11-25.

Conditions:
X-linked distal spinal muscular atrophy type 3. Also called: ATP7A-Related Distal Motor Neuropathy; SPINAL MUSCULAR ATROPHY, DISTAL, X-LINKED RECESSIVE; NEURONOPATHY, DISTAL HEREDITARY MOTOR, X-LINKED; NEUROPATHY, DISTAL HEREDITARY MOTOR, X-LINKED. Identifiers: Orphanet 139557, MedGen C1845359, MONDO:0010338, OMIM 300489.
Menkes kinky-hair syndrome (MNK). Also called: Copper transport disease; Classic Menkes Disease; Menkes Disease. Identifiers: Orphanet 565, MedGen C0022716, MONDO:0010651, OMIM 309400.
Cutis laxa, X-linked (OHS). Also called: EDS IX; Occipital horn syndrome. Identifiers: Orphanet 198, MedGen C0268353, MONDO:0010572, OMIM 304150.

Submissions (3):

Blueprint Genetics
Classification: Uncertain significance. Last evaluated: 2024-11-25. Review status: criteria provided, single submitter. Criteria: ACMG Guidelines, 2015. Collection method: clinical testing. Allele origin: germline.

Victorian Clinical Genetics Services, Murdoch Childrens Research Institute
Classification: Uncertain significance for Menkes kinky-hair syndrome. Last evaluated: 2024-10-10. Review status: criteria provided, single submitter. Criteria: ACMG Guidelines, 2015. Collection method: clinical testing. Allele origin: germline. Inheritance: X-linked recessive inheritance. Affected: yes.
Comment: Based on the classification scheme VCGS_Germline_v1.3.2, this variant is classified as 3C-VUS. Following criteria are met: 0102 - Loss-of-function is a known mechanism of disease for this gene. (I) 0109 - This gene is known to be associated with X-linked recessive disease. (I) 0200 - Variant is predicted to result in a missense amino acid change from a histidine to an arginine (exon 9). (I) 0251 - Variant is heterozygous. (I) 0301 - Variant is absent from gnomAD. (SP) 0309 - An alternative amino acid change at the same position has been observed in gnomAD (2 heterozygotes, 0 homozygotes). (I) 0503 - Missense variant consistently predicted to be tolerated or not conserved in mammals with a minor amino acid change. (SB) 0600 - Variant is located in an annotated domain or motif (P-type_ATPase_Cu-like domain; NCBI). (I) 0705 - No comparable variants have previous evidence for pathogenicity. (I) 0807 - Variant has not previously been reported in a clinical context. (I) 0905 - No segregation evidence has been identified for this variant. (I) 1007 - No published functional evidence has been identified for this variant. (I) Legend: (SP) - Supporting pathogenic, (I) - Information, (SB) - Supporting benign

Labcorp Genetics (formerly Invitae), Labcorp
Classification: Uncertain significance for X-linked distal spinal muscular atrophy type 3; Cutis laxa, X-linked; Menkes kinky-hair syndrome. Last evaluated: 2022-05-28. Review status: criteria provided, single submitter. Criteria: Invitae Variant Classification Sherloc (09022015). Collection method: clinical testing. Allele origin: germline.
Comment: This sequence change replaces histidine, which is basic and polar, with arginine, which is basic and polar, at codon 683 of the ATP7A protein (p.His683Arg). This variant is not present in population databases (gnomAD no frequency). This variant has not been reported in the literature in individuals affected with ATP7A-related conditions. Advanced modeling of protein sequence and biophysical properties (such as structural, functional, and spatial information, amino acid conservation, physicochemical variation, residue mobility, and thermodynamic stability) performed at Invitae indicates that this missense variant is not expected to disrupt ATP7A protein function. In summary, the available evidence is currently insufficient to determine the role of this variant in disease. Therefore, it has been classified as a Variant of Uncertain Significance.